The following is an entry in ClinVar:

ClinVar aggregate classification (germline): Likely pathogenic (1 of 4 stars; one submission).

Conditions:
Usher syndrome type 1 (USH1). Also called: RETINITIS PIGMENTOSA AND CONGENITAL DEAFNESS. Identifiers: Orphanet 231169, Orphanet 886, MedGen C1568247, MONDO:0010168, OMIM 276900.

Submission:

Myriad Genetics, Inc.
Classification: Likely pathogenic for Usher syndrome type 1. Last evaluated: 2022-01-02. Review status: criteria provided, single submitter. Criteria: Myriad Women's Health Autosomal Recessive and X-Linked Classification Criteria (2021). Collection method: clinical testing. Allele origin: unknown.
Comment: NM_000260.3(MYO7A):c.2743G>T(E915*) is expected to be pathogenic in the context of MYO7A-related disorders. This variant is predicted to lead to an abnormal or absent protein product due to the creation of a premature termination codon in MYO7A, a gene where loss-of-function variants are known to be pathogenic. Please note: this variant was assessed in the context of healthy population screening.

NM_000260.4(MYO7A):c.2743G>T (p.Glu915Ter)

Gene: MYO7A (myosin VIIA; plus strand). Cytogenetic location: 11q13.5.
Variant type: single nucleotide variant.
Coding change: c.2743G>T on transcript NM_000260.4 (MANE Select); coding-DNA position 2743, G replaced by T.
Protein change: p.Glu915Ter; replaces glutamic acid 915 with a stop codon.
Molecular consequence: nonsense.
Genome position (GRCh38, 1-based): chr11:77,181,428, G>T. VCF-style: chr11-77181428-G-T. GRCh37 (hg19) VCF-style: chr11-76892474-G-T.
Other names: c.2743G>T, p.Glu915Ter (NM_001127180.2); c.2710G>T, p.Glu904Ter (NM_001369365.1); short protein forms E904*, E915*.
Identifiers: ClinVar variation 1726961 (VCV001726961.2), dbSNP rs2497202889, ClinGen allele CA381942729.
Genomic context (GRCh38, chr11:77,181,428, plus strand): 5'-CCAATTGCCCAGGAGCGCCTGGCCCAGCTGGCTCGTGAGGACGCTGAGCGGGAGCTGAAG[G>T]AGAAGGAGGCCGCTCGGCGGAAGAAGGAGCTCCTGGAGCAGATGGAAAGGGCCCGCCATG-3'